The following is an entry in ClinVar:

NM_001165963.4(SCN1A):c.4013A>G (p.Asn1338Ser)

Genes: SCN1A (sodium voltage-gated channel alpha subunit 1; minus strand), LOC102724058 (uncharacterized LOC102724058; plus strand). Cytogenetic location: 2q24.3.
Variant type: single nucleotide variant.
Coding change: c.4013A>G on transcript NM_001165963.4 (MANE Select); coding-DNA position 4013, A replaced by G.
Protein change: p.Asn1338Ser; replaces asparagine 1338 with serine.
Molecular consequence: missense variant. On other transcripts: non-coding transcript variant (1).
Genome position (GRCh38, 1-based): chr2:166,002,743, T>C on the plus strand (A>G on the coding strand, the complement: SCN1A is on the minus strand). VCF-style: chr2-166002743-T-C. GRCh37 (hg19) VCF-style: chr2-166859253-T-C.
Other names: c.3929A>G, p.Asn1310Ser (NM_001165964.3, NM_001353957.2, NM_001353958.2); c.4013A>G, p.Asn1338Ser (NM_001202435.3, NM_001353948.2); c.3980A>G, p.Asn1327Ser (NM_001353949.2, NM_001353950.2, NM_001353951.2 and 2 more transcripts); c.3977A>G, p.Asn1326Ser (NM_001353954.2, NM_001353955.2); c.3926A>G, p.Asn1309Ser (NM_001353960.2); c.1571A>G, p.Asn524Ser (NM_001353961.2); short protein forms N1309S, N1310S, N1326S, N1327S, N1338S, N524S.
Identifiers: ClinVar variation 4800269 (VCV004800269.1).
Genomic context (GRCh38, chr2:166,002,743, plus strand): 5'-CAGAATATAAGACAAACCAGAAGCACATTCATGATGGATGGAATTGCTCCTAAAAGGGCA[T>C]TCACAACCACCTAATACACAAATGGAAAAAAAGAAAAGTCAGAATTCTTATCTGTTAATA-3'
Protein context (NP_001159435.1, residues 1328-1348): SRFEGMRVVV[Asn1338Ser]ALLGAIPSIM

ClinVar aggregate classification (germline): Likely pathogenic (1 of 4 stars; one submission).

Conditions:
Early-infantile DEE. Also called: Early infantile epileptic encephalopathy with suppression bursts; Early infantile epileptic encephalopathy; Ohtahara syndrome. Identifiers: Orphanet 1934, MedGen C0393706, MONDO:0800491.

Submission:

Labcorp Genetics (formerly Invitae), Labcorp
Classification: Likely pathogenic for Early-infantile DEE. Last evaluated: 2025-03-16. Review status: criteria provided, single submitter. Criteria: Invitae Variant Classification Sherloc (09022015). Collection method: clinical testing. Allele origin: germline.
Comment: This sequence change replaces asparagine, which is neutral and polar, with serine, which is neutral and polar, at codon 1338 of the SCN1A protein (p.Asn1338Ser). This variant is not present in population databases (gnomAD no frequency). This variant has not been reported in the literature in individuals affected with SCN1A-related conditions. Invitae Evidence Modeling of protein sequence and biophysical properties (such as structural, functional, and spatial information, amino acid conservation, physicochemical variation, residue mobility, and thermodynamic stability) indicates that this missense variant is expected to disrupt SCN1A protein function with a positive predictive value of 95%. This variant disrupts the p.Asn1338 amino acid residue in SCN1A. Other variant(s) that disrupt this residue have been determined to be pathogenic (PMID: 24901346, 26795593). This suggests that this residue is clinically significant, and that variants that disrupt this residue are likely to be disease-causing. In summary, the currently available evidence indicates that the variant is pathogenic, but additional data are needed to prove that conclusively. Therefore, this variant has been classified as Likely Pathogenic.

Literature cited by the submitters: PubMed 24901346; PubMed 26795593.